The following is an entry in ClinVar:

ClinVar aggregate classification (germline): Likely benign. Review status: criteria provided, multiple submitters, no conflicts (2 of 4 stars). 4 submissions from 4 submitters: Likely benign (3). 1 of the submissions does not count toward it. Last evaluated 2025-09-28.

Conditions:
TMEM126A-related disorder. Also called: TMEM126A-related condition.

Allele frequency attached by ClinVar (database versions not stated): ExAC 0.00003; gnomAD exomes 0.00003 and 0.00008; gnomAD 0.00005; TOPMed 0.00005; ESP Exome Variant Server 0.00008.
gnomAD v4.1: 125 of 1,610,898 alleles (0.0078%); highest among the groups gnomAD compares: Middle Eastern, 0.042%; no homozygotes.

Submissions (4):

Labcorp Genetics (formerly Invitae), Labcorp
Classification: Likely benign. Last evaluated: 2025-09-28. Review status: criteria provided, single submitter. Criteria: Invitae Variant Classification Sherloc (09022015). Collection method: clinical testing. Allele origin: germline.

CeGaT Center for Human Genetics Tuebingen
Classification: Likely benign. Last evaluated: 2023-09-01. Review status: criteria provided, single submitter. Criteria: CeGaT Center For Human Genetics Tuebingen Variant Classification Criteria Version 2. Collection method: clinical testing. Allele origin: germline. Affected: yes. Observed: 1 variant allele.
Comment: TMEM126A: BP4, BP7

GeneDx
Classification: Likely benign. Last evaluated: 2019-05-22. Review status: criteria provided, single submitter. Criteria: GeneDx Variant Classification Process June 2021. Collection method: clinical testing. Allele origin: germline. Affected: yes.

PreventionGenetics, part of Exact Sciences
Classification: Likely benign for TMEM126A-related condition. Last evaluated: 2020-02-19. Review status: no assertion criteria provided. Collection method: clinical testing. Allele origin: germline. Not counted in ClinVar's aggregate classification.
Comment: This variant is classified as likely benign based on ACMG/AMP sequence variant interpretation guidelines (Richards et al. 2015 PMID: 25741868, with internal and published modifications).

NM_032273.4(TMEM126A):c.402A>G (p.Gln134=)

Gene: TMEM126A (transmembrane protein 126A; plus strand). Cytogenetic location: 11q14.1.
Variant type: single nucleotide variant.
Coding change: c.402A>G on transcript NM_032273.4 (MANE Select); coding-DNA position 402, A replaced by G.
Protein change: p.Gln134=; no amino-acid change (glutamine 134 retained).
Molecular consequence: synonymous variant.
Genome position (GRCh38, 1-based): chr11:85,656,315, A>G. VCF-style: chr11-85656315-A-G. GRCh37 (hg19) VCF-style: chr11-85367359-A-G.
Other names: c.192A>G, p.Gln64= (NM_001244735.2).
Identifiers: ClinVar variation 669614 (VCV000669614.37), dbSNP rs375711712, ClinGen allele CA6212808.